The following is an entry in ClinVar:

NM_001267550.2(TTN):c.32861C>T (p.Pro10954Leu)

Gene: TTN (titin; minus strand). Cytogenetic location: 2q31.2.
Variant type: single nucleotide variant.
Coding change: c.32861C>T on transcript NM_001267550.2 (MANE Select); coding-DNA position 32861, C replaced by T.
Protein change: p.Pro10954Leu; replaces proline 10954 with leucine.
Molecular consequence: missense variant. On other transcripts: intron variant (3).
Genome position (GRCh38, 1-based): chr2:178,683,237, G>A on the plus strand (C>T on the coding strand, the complement: TTN is on the minus strand). VCF-style: chr2-178683237-G-A. GRCh37 (hg19) VCF-style: chr2-179547964-G-A.
Other names: p.Pro9710Leu; c.31910C>T, p.Pro10637Leu (NM_001256850.1); c.29129C>T, p.Pro9710Leu (NM_133378.4); c.13283-40920C>T (NM_003319.4); c.13859-40920C>T (NM_133437.4); c.13658-40920C>T (NM_133432.3); short protein forms P10637L, P10954L, P9710L.
Identifiers: ClinVar variation 3380890 (VCV003380890.1).

ClinVar aggregate classification (germline): Uncertain significance (1 of 4 stars; one submission).

gnomAD v4.1: 3 of 1,552,380 alleles (0.00019%); highest among the groups gnomAD compares: Non-Finnish European, 0.00017%; no homozygotes.

Submission:

Mayo Clinic Laboratories, Mayo Clinic
Classification: Uncertain significance. Last evaluated: 2023-06-28. Review status: criteria provided, single submitter. Criteria: ACMG Guidelines, 2015. Collection method: clinical testing. Allele origin: germline. Observed: 1 variant allele.
Comment: PM2_moderate